The following is an entry in ClinVar:

ClinVar aggregate classification (germline): Pathogenic (1 of 4 stars; one submission).

Allele frequency attached by ClinVar (database versions not stated): TOPMed below 0.00001.

Submission:

Labcorp Genetics (formerly Invitae), Labcorp
Classification: Pathogenic. Last evaluated: 2023-10-05. Review status: criteria provided, single submitter. Criteria: Invitae Variant Classification Sherloc (09022015). Collection method: clinical testing. Allele origin: germline.
Comment: This sequence change affects a donor splice site in intron 20 of the USH2A gene. It is expected to disrupt RNA splicing. Variants that disrupt the donor or acceptor splice site typically lead to a loss of protein function (PMID: 16199547), and loss-of-function variants in USH2A are known to be pathogenic (PMID: 10729113, 10909849, 20507924, 25649381). This variant is not present in population databases (gnomAD no frequency). Disruption of this splice site has been observed in individual(s) with Usher syndrome (PMID: 33089500). Algorithms developed to predict the effect of sequence changes on RNA splicing suggest that this variant may disrupt the consensus splice site. For these reasons, this variant has been classified as Pathogenic.

Literature cited by the submitters: PubMed 16199547; PubMed 10729113; PubMed 10909849; PubMed 20507924; PubMed 25649381; PubMed 33089500.

NM_206933.4(USH2A):c.4396+2T>C

Gene: USH2A (usherin; minus strand). Cytogenetic location: 1q41.
Variant type: single nucleotide variant.
Coding change: c.4396+2T>C on transcript NM_206933.4 (MANE Select); the canonical splice donor site of the intron after coding-DNA position 4396, T replaced by C.
Molecular consequence: splice donor variant.
Genome position (GRCh38, 1-based): chr1:216,190,221, A>G on the plus strand (T>C on the coding strand, the complement: USH2A is on the minus strand). VCF-style: chr1-216190221-A-G. GRCh37 (hg19) VCF-style: chr1-216363563-A-G.
Other names: c.4396+2T>C (NM_007123.6).
Identifiers: ClinVar variation 2765664 (VCV002765664.3), dbSNP rs2034687381, ClinGen allele CA344865026.